The following is an entry in ClinVar:

NM_001458.5(FLNC):c.1703A>G (p.Glu568Gly)

Gene: FLNC (filamin C; plus strand). Cytogenetic location: 7q32.1.
Variant type: single nucleotide variant.
Coding change: c.1703A>G on transcript NM_001458.5 (MANE Select); coding-DNA position 1703, A replaced by G.
Protein change: p.Glu568Gly; replaces glutamic acid 568 with glycine.
Molecular consequence: missense variant.
Genome position (GRCh38, 1-based): chr7:128,840,860, A>G. VCF-style: chr7-128840860-A-G. GRCh37 (hg19) VCF-style: chr7-128480914-A-G.
Other names: c.1703A>G, p.Glu568Gly (NM_001127487.2); short protein forms E568G.
Identifiers: ClinVar variation 3895136 (VCV003895136.1).

ClinVar aggregate classification (germline): Uncertain significance (1 of 4 stars; one submission).

Conditions:
Cardiovascular phenotype. Identifiers: MedGen CN230736.

Submission:

Molecular Diagnostic Laboratory for Inherited Cardiovascular Disease, Montreal Heart Institute
Classification: Uncertain significance for Cardiovascular phenotype. Last evaluated: 2025-04-09. Review status: criteria provided, single submitter. Criteria: ACMG Guidelines, 2015. Collection method: clinical testing. Allele origin: germline. Affected: yes.
Comment: PM2, PP3